The following is an entry in ClinVar:

NM_014140.4(SMARCAL1):c.986C>A (p.Ser329Ter)

Gene: SMARCAL1 (SNF2 related chromatin remodeling annealing helicase 1; plus strand). Cytogenetic location: 2q35.
Variant type: single nucleotide variant.
Coding change: c.986C>A on transcript NM_014140.4 (MANE Select); coding-DNA position 986, C replaced by A.
Protein change: p.Ser329Ter; replaces serine 329 with a stop codon.
Molecular consequence: nonsense.
Genome position (GRCh38, 1-based): chr2:216,420,422, C>A. VCF-style: chr2-216420422-C-A. GRCh37 (hg19) VCF-style: chr2-217285145-C-A.
Other names: c.986C>A, p.Ser329Ter (NM_001127207.2); short protein forms S329*.
Identifiers: ClinVar variation 2772040 (VCV002772040.3), dbSNP rs754516841, ClinGen allele CA2097749.

ClinVar aggregate classification (germline): Pathogenic (1 of 4 stars; one submission).

Conditions:
Schimke immuno-osseous dysplasia (SIOD). Also called: Schimke Immunoosseous Dysplasia. Identifiers: Orphanet 1830, MedGen C0877024, MONDO:0009458, OMIM 242900.

Allele frequency attached by ClinVar (database versions not stated): gnomAD exomes below 0.00001; ExAC 0.00001.
gnomAD v4.1: 1 of 1,614,162 alleles (0.000062%); highest among the groups gnomAD compares: Non-Finnish European, 0.000085%; no homozygotes.

Submission:

Labcorp Genetics (formerly Invitae), Labcorp
Classification: Pathogenic for Schimke immuno-osseous dysplasia. Last evaluated: 2025-06-03. Review status: criteria provided, single submitter. Criteria: Invitae Variant Classification Sherloc (09022015). Collection method: clinical testing. Allele origin: germline.
Comment: This sequence change creates a premature translational stop signal (p.Ser329*) in the SMARCAL1 gene. It is expected to result in an absent or disrupted protein product. Loss-of-function variants in SMARCAL1 are known to be pathogenic (PMID: 11799392, 20301550). This variant is present in population databases (rs754516841, gnomAD 0.0009%). This variant has not been reported in the literature in individuals affected with SMARCAL1-related conditions. ClinVar contains an entry for this variant (Variation ID: 2772040). For these reasons, this variant has been classified as Pathogenic.

Literature cited by the submitters: PubMed 11799392; PubMed 20301550.